The following is an entry in ClinVar:

ClinVar aggregate classification (germline): Uncertain significance. Review status: criteria provided, multiple submitters, no conflicts (2 of 4 stars). 2 submissions from 2 submitters: Uncertain significance (2). Last evaluated 2022-07-28.

Allele frequency attached by ClinVar (database versions not stated): gnomAD exomes below 0.00001.
gnomAD v4.1: 1 of 1,612,916 alleles (0.000062%); highest among the groups gnomAD compares: Non-Finnish European, 0.000085%; no homozygotes.

Submissions (2):

Blueprint Genetics
Classification: Uncertain significance. Last evaluated: 2022-07-28. Review status: criteria provided, single submitter. Criteria: ACMG Guidelines, 2015. Collection method: clinical testing. Allele origin: germline.

Labcorp Genetics (formerly Invitae), Labcorp
Classification: Uncertain significance. Last evaluated: 2021-12-02. Review status: criteria provided, single submitter. Criteria: Invitae Variant Classification Sherloc (09022015). Collection method: clinical testing. Allele origin: germline.
Comment: This sequence change replaces aspartic acid, which is acidic and polar, with glutamic acid, which is acidic and polar, at codon 422 of the ASNS protein (p.Asp422Glu). This variant is not present in population databases (gnomAD no frequency). This variant has not been reported in the literature in individuals affected with ASNS-related conditions. Advanced modeling of protein sequence and biophysical properties (such as structural, functional, and spatial information, amino acid conservation, physicochemical variation, residue mobility, and thermodynamic stability) performed at Invitae indicates that this missense variant is expected to disrupt ASNS protein function. In summary, the available evidence is currently insufficient to determine the role of this variant in disease. Therefore, it has been classified as a Variant of Uncertain Significance.

NM_001673.5(ASNS):c.1266T>G (p.Asp422Glu)

Genes: ASNS (asparagine synthetase (glutamine-hydrolyzing); minus strand), CZ1P-ASNS (CZ1P-ASNS readthrough; minus strand). Cytogenetic location: 7q21.3.
Variant type: single nucleotide variant.
Coding change: c.1266T>G on transcript NM_001673.5 (MANE Select); coding-DNA position 1266, T replaced by G.
Protein change: p.Asp422Glu; replaces aspartic acid 422 with glutamic acid.
Molecular consequence: missense variant. On other transcripts: non-coding transcript variant (1).
Genome position (GRCh38, 1-based): chr7:97,853,359, A>C on the plus strand (T>G on the coding strand, the complement: ASNS is on the minus strand). VCF-style: chr7-97853359-A-C. GRCh37 (hg19) VCF-style: chr7-97482671-A-C.
Other names: c.1203T>G, p.Asp401Glu (NM_001178075.2); c.1017T>G, p.Asp339Glu (NM_001178076.2, NM_001178077.1); c.1266T>G, p.Asp422Glu (NM_001352496.2, NM_133436.3, NM_183356.4); short protein forms D339E, D401E, D422E.
Identifiers: ClinVar variation 1899995 (VCV001899995.3), dbSNP rs2484630593, ClinGen allele CA368265230.
Genomic context (GRCh38, chr7:97,853,359, plus strand): 5'-ACCTACCTTTGGAATTCTCATTTCTGGTGGCAGAGACAAGTAATAGGAAGAAAATCGATG[A>C]TCTAGAAATGGGACTCTCAGTTCAAGACTTAAAGGAGAAAAGAAGAAAATCTAAATTAAA-3'
Protein context (NP_001664.3, residues 412-432): HGLELRVPFL[Asp422Glu]HRFSSYYLSL